The following is an entry in ClinVar:

NM_001162501.2(TNRC6B):c.2991G>T (p.Trp997Cys)

Gene: TNRC6B (trinucleotide repeat containing adaptor 6B; plus strand). Cytogenetic location: 22q13.1.
Variant type: single nucleotide variant.
Coding change: c.2991G>T on transcript NM_001162501.2 (MANE Select); coding-DNA position 2991, G replaced by T.
Protein change: p.Trp997Cys; replaces tryptophan 997 with cysteine.
Molecular consequence: missense variant.
Genome position (GRCh38, 1-based): chr22:40,273,450, G>T. VCF-style: chr22-40273450-G-T. GRCh37 (hg19) VCF-style: chr22-40669454-G-T.
Other names: c.750G>T, p.Trp250Cys (NM_001024843.2); c.2832G>T, p.Trp944Cys (NM_015088.3); short protein forms W250C, W944C, W997C.
Identifiers: ClinVar variation 3382770 (VCV003382770.2).

ClinVar aggregate classification (germline): Uncertain significance (1 of 4 stars; one submission).

Conditions:
Global developmental delay with speech and behavioral abnormalities. Identifiers: MedGen C5543226, MONDO:0030995, OMIM 619243.

gnomAD v4.1: 30 of 1,610,144 alleles (0.0019%); highest among the groups gnomAD compares: Non-Finnish European, 0.0018%; no homozygotes.

Submission:

Juno Genomics, Hangzhou Juno Genomics, Inc
Classification: Uncertain significance for Global developmental delay with speech and behavioral abnormalities. Review status: criteria provided, single submitter. Criteria: ACMG Guidelines, 2015. Collection method: clinical testing. Allele origin: germline. Affected: yes.
Comment: Absent from controls (or at extremely low frequency if recessive) in Genome Aggregation Database, Exome Sequencing Project, 1000 Genomes Project, or Exome Aggregation Consortium.;Multiple lines of computational evidence support a deleterious effect on the gene or gene product (conservation, evolutionary, splicing impact, etc).;The prevalence of the variant in affected individuals is significantly increased compared to the prevalence in controls.